The following is an entry in ClinVar:

NM_000038.6(APC):c.3314G>A (p.Arg1105Gln)

Gene: APC (APC regulator of Wnt signaling pathway; plus strand). Cytogenetic location: 5q22.2.
Variant type: single nucleotide variant.
Coding change: c.3314G>A on transcript NM_000038.6 (MANE Select); coding-DNA position 3314, G replaced by A.
Protein change: p.Arg1105Gln; replaces arginine 1105 with glutamine.
Molecular consequence: missense variant.
Genome position (GRCh38, 1-based): chr5:112,838,908, G>A. VCF-style: chr5-112838908-G-A. GRCh37 (hg19) VCF-style: chr5-112174605-G-A.
Other names: c.3314G>A, p.Arg1105Gln (NM_001127510.3, NM_001354895.2); c.3260G>A, p.Arg1087Gln (NM_001127511.3); c.3368G>A, p.Arg1123Gln (NM_001354896.2); c.3344G>A, p.Arg1115Gln (NM_001354897.2); c.3239G>A, p.Arg1080Gln (NM_001354898.2); c.3230G>A, p.Arg1077Gln (NM_001354899.2); c.3191G>A, p.Arg1064Gln (NM_001354900.2); c.3137G>A, p.Arg1046Gln (NM_001354901.2); and 5 more; short protein forms R1087Q, R1105Q, R1004Q, R1014Q, R1046Q, R1123Q, R822Q, R1080Q.
Identifiers: ClinVar variation 188375 (VCV000188375.37), dbSNP rs548176472, ClinGen allele CA008260.

ClinVar aggregate classification (germline): Conflicting classifications of pathogenicity. Review status: criteria provided, conflicting classifications (1 of 4 stars). 6 submissions from 6 submitters: Uncertain significance (5); Likely benign (1). Last evaluated 2026-01-14.

Conditions:
Classic or attenuated familial adenomatous polyposis. Identifiers: MedGen CN372698, MONDO:0021057.
Hereditary cancer-predisposing syndrome. Also called: Hereditary Cancer Syndrome; Neoplastic Syndromes, Hereditary; Hereditary neoplastic syndrome; Tumor predisposition. Identifiers: Orphanet 140162, MedGen C0027672, MeSH D009386, MONDO:0015356.
Familial adenomatous polyposis 1 (FAP1). Also called: FAMILIAL ADENOMATOUS POLYPOSIS 1, ATTENUATED; POLYPOSIS, ADENOMATOUS INTESTINAL. Identifiers: MedGen C2713442, MONDO:0021056, OMIM 175100. Disease mechanism: loss of function.

Allele frequency attached by ClinVar (database versions not stated): gnomAD exomes 0.00001; ExAC 0.00002; 1000 Genomes Project 30x 0.00016; 1000 Genomes Project 0.00020.
gnomAD v4.1: 16 of 1,614,054 alleles (0.00099%); highest among the groups gnomAD compares: East Asian, 0.0067%; no homozygotes.

Submissions (6):

Labcorp Genetics (formerly Invitae), Labcorp
Classification: Uncertain significance for Familial adenomatous polyposis 1. Last evaluated: 2026-01-14. Review status: criteria provided, single submitter. Criteria: Invitae Variant Classification Sherloc (09022015). Collection method: clinical testing. Allele origin: germline.
Comment: This sequence change replaces arginine, which is basic and polar, with glutamine, which is neutral and polar, at codon 1105 of the APC protein (p.Arg1105Gln). This variant is present in population databases (rs548176472, gnomAD 0.01%). This missense change has been observed in individual(s) with clinical features of APC-related conditions (internal data). ClinVar contains an entry for this variant (Variation ID: 188375). Invitae Evidence Modeling of protein sequence and biophysical properties (such as structural, functional, and spatial information, amino acid conservation, physicochemical variation, residue mobility, and thermodynamic stability) indicates that this missense variant is not expected to disrupt APC protein function with a negative predictive value of 95%. In summary, the available evidence is currently insufficient to determine the role of this variant in disease. Therefore, it has been classified as a Variant of Uncertain Significance.

Color Diagnostics, LLC DBA Color Health
Classification: Uncertain significance for Hereditary cancer-predisposing syndrome. Last evaluated: 2025-03-31. Review status: criteria provided, single submitter. Criteria: ACMG Guidelines, 2015. Collection method: clinical testing. Allele origin: germline.
Comment: This missense variant replaces arginine with glutamine at codon 1105 of the APC protein. Computational prediction suggests that this variant may not impact protein structure and function. To our knowledge, functional studies have not been reported for this variant. This variant has not been reported in individuals affected with APC-related disorders in the literature. This variant has been identified in 3/250386 chromosomes in the general population by the Genome Aggregation Database (gnomAD). The available evidence is insufficient to determine the role of this variant in disease conclusively. Therefore, this variant is classified as a Variant of Uncertain Significance.

GeneDx
Classification: Uncertain significance. Last evaluated: 2023-11-21. Review status: criteria provided, single submitter. Criteria: GeneDx Variant Classification Process June 2021. Collection method: clinical testing. Allele origin: germline. Affected: yes.
Comment: Not observed at significant frequency in large population cohorts (gnomAD); In silico analysis supports that this missense variant does not alter protein structure/function; Has not been previously published as pathogenic or benign to our knowledge; This variant is associated with the following publications: (PMID: 18199528, 27776115)

Baylor Genetics
Classification: Uncertain significance for Familial adenomatous polyposis 1. Last evaluated: 2023-11-07. Review status: criteria provided, single submitter. Criteria: ACMG Guidelines, 2015. Collection method: clinical testing. Allele origin: unknown.

All of Us Research Program, National Institutes of Health
Classification: Uncertain significance for Classic or attenuated familial adenomatous polyposis. Last evaluated: 2023-08-15. Review status: criteria provided, single submitter. Criteria: ACMG Guidelines, 2015. Collection method: clinical testing. Allele origin: germline. Inheritance: Autosomal dominant inheritance. Observed: 2 variant alleles, 2 heterozygotes.
Comment: This missense variant replaces arginine with glutamine at codon 1105 of the APC protein. Computational prediction suggests that this variant may not impact protein structure and function (internally defined REVEL score threshold <= 0.5, PMID: 27666373). To our knowledge, functional studies have not been reported for this variant. This variant has not been reported in individuals affected with APC-related disorders in the literature. This variant has been identified in 3/250386 chromosomes in the general population by the Genome Aggregation Database (gnomAD). The available evidence is insufficient to determine the role of this variant in disease conclusively. Therefore, this variant is classified as a Variant of Uncertain Significance.

This study involves interpretation of variants in research participants for the purpose of population health screening. Participant phenotype was not available at the time of variant classification. Additional details can be found in publication PMID: 35346344, PMCID: PMC8962531

Ambry Genetics
Classification: Likely benign for Hereditary cancer-predisposing syndrome. Last evaluated: 2023-04-14. Review status: criteria provided, single submitter. Criteria: Ambry Variant Classification Scheme 2023. Collection method: clinical testing. Allele origin: germline.